The following is an entry in ClinVar:

NM_006096.4(NDRG1):c.947C>G (p.Pro316Arg)

Gene: NDRG1 (N-myc downstream regulated 1; minus strand). Cytogenetic location: 8q24.22.
Variant type: single nucleotide variant.
Coding change: c.947C>G on transcript NM_006096.4 (MANE Select); coding-DNA position 947, C replaced by G.
Protein change: p.Pro316Arg; replaces proline 316 with arginine.
Molecular consequence: missense variant.
Genome position (GRCh38, 1-based): chr8:133,239,116, G>C on the plus strand (C>G on the coding strand, the complement: NDRG1 is on the minus strand). VCF-style: chr8-133239116-G-C. GRCh37 (hg19) VCF-style: chr8-134251359-G-C.
Other names: p.Pro316Arg; c.947C>G, p.Pro316Arg (NM_001135242.2, NM_001374845.1, NM_001374846.1); c.749C>G, p.Pro250Arg (NM_001258432.2, NM_001374847.1); c.704C>G, p.Pro235Arg (NM_001258433.2); c.998C>G, p.Pro333Arg (NM_001374844.1); short protein forms P235R, P250R, P316R, P333R.
Identifiers: ClinVar variation 1045762 (VCV001045762.8), dbSNP rs1033985666, ClinGen allele CA186362873.
Genomic context (GRCh38, chr8:133,239,116, plus strand): 5'-GAAGTGACGCTGGAACCAGAGGCTGTGCGGGACCGCATCAGGCGGGTCATGCTAGCCGAG[G>C]GCACTAGGGGAACAAGAGACAGCCGGTTAGAGGGCAGGAGACTGCCAGGTGAGGAGCCAG-3'
Protein context (NP_006087.2, residues 306-326): KYFVQGMGYM[Pro316Arg]SASMTRLMRS

ClinVar aggregate classification (germline): Uncertain significance. Review status: criteria provided, multiple submitters, no conflicts (2 of 4 stars). 3 submissions from 3 submitters: Uncertain significance (2). 1 of the submissions does not count toward it. Last evaluated 2025-05-19.

Conditions:
Charcot-Marie-Tooth disease type 4. Also called: Charcot-Marie-Tooth disease, type IV; Charcot-Marie-Tooth, Type 4. Identifiers: Orphanet 64749, MedGen C4082197, MONDO:0018995.
Charcot-Marie-Tooth disease type 4D. Also called: CHARCOT-MARIE-TOOTH DISEASE, DEMYELINATING, TYPE 4D; NEUROPATHY, HEREDITARY MOTOR AND SENSORY, LOM TYPE; CHARCOT-MARIE-TOOTH DISEASE, DEMYELINATING, AUTOSOMAL RECESSIVE, TYPE 4D; Charcot-Marie-Tooth Neuropathy Type 4D. Identifiers: Orphanet 99950, MedGen C1832334, MONDO:0011085, OMIM 601455.

Allele frequency attached by ClinVar (database versions not stated): gnomAD 0.00001; TOPMed 0.00001.
gnomAD v4.1: 27 of 1,555,286 alleles (0.0017%); highest among the groups gnomAD compares: Non-Finnish European, 0.0023%; no homozygotes.

Submissions (3):

Mayo Clinic Laboratories, Mayo Clinic
Classification: Uncertain significance. Last evaluated: 2025-05-19. Review status: criteria provided, single submitter. Criteria: ACMG Guidelines, 2015. Collection method: clinical testing. Allele origin: germline. Observed: 1 variant allele.

Labcorp Genetics (formerly Invitae), Labcorp
Classification: Uncertain significance for Charcot-Marie-Tooth disease type 4. Last evaluated: 2021-08-28. Review status: criteria provided, single submitter. Criteria: Invitae Variant Classification Sherloc (09022015). Collection method: clinical testing. Allele origin: germline.
Comment: This sequence change replaces proline with arginine at codon 316 of the NDRG1 protein (p.Pro316Arg). The proline residue is highly conserved and there is a moderate physicochemical difference between proline and arginine. This variant is not present in population databases (ExAC no frequency). This variant has not been reported in the literature in individuals affected with NDRG1-related conditions. Algorithms developed to predict the effect of missense changes on protein structure and function are either unavailable or do not agree on the potential impact of this missense change (SIFT: "Deleterious"; PolyPhen-2: "Probably Damaging"; Align-GVGD: "Class C15"). In summary, the available evidence is currently insufficient to determine the role of this variant in disease. Therefore, it has been classified as a Variant of Uncertain Significance.

Natera, Inc.
Classification: Uncertain significance for Charcot-Marie-Tooth disease type 4D. Last evaluated: 2020-08-20. Review status: no assertion criteria provided. Collection method: clinical testing. Allele origin: germline. Not counted in ClinVar's aggregate classification.